The following is an entry in ClinVar:

ClinVar aggregate classification (germline): Uncertain significance (1 of 4 stars; one submission).

Conditions:
Charcot-Marie-Tooth disease axonal type 2O. Also called: CHARCOT-MARIE-TOOTH NEUROPATHY, AXONAL, TYPE 2O; CHARCOT-MARIE-TOOTH DISEASE, AXONAL, AUTOSOMAL DOMINANT, TYPE 2O; Charcot-Marie-Tooth Neuropathy Type 2O; Charcot-Marie-Tooth disease, axonal, type 20. Identifiers: Orphanet 284232, MedGen C3280220, MONDO:0013644, OMIM 614228.

Submission:

Labcorp Genetics (formerly Invitae), Labcorp
Classification: Uncertain significance for Charcot-Marie-Tooth disease axonal type 2O. Last evaluated: 2026-01-19. Review status: criteria provided, single submitter. Criteria: Invitae Variant Classification Sherloc (09022015). Collection method: clinical testing. Allele origin: germline.
Comment: This sequence change replaces valine, which is neutral and non-polar, with leucine, which is neutral and non-polar, at codon 1582 of the DYNC1H1 protein (p.Val1582Leu). This variant is not present in population databases (gnomAD no frequency). This variant has not been reported in the literature in individuals affected with DYNC1H1-related conditions. ClinVar contains an entry for this variant (Variation ID: 3636145). Invitae Evidence Modeling of protein sequence and biophysical properties (such as structural, functional, and spatial information, amino acid conservation, physicochemical variation, residue mobility, and thermodynamic stability) indicates that this missense variant is expected to disrupt DYNC1H1 protein function with a positive predictive value of 95%. In summary, the available evidence is currently insufficient to determine the role of this variant in disease. Therefore, it has been classified as a Variant of Uncertain Significance.

NM_001376.5(DYNC1H1):c.4744G>T (p.Val1582Leu)

Gene: DYNC1H1 (dynein cytoplasmic 1 heavy chain 1; plus strand). Cytogenetic location: 14q32.31.
Variant type: single nucleotide variant.
Coding change: c.4744G>T on transcript NM_001376.5 (MANE Select); coding-DNA position 4744, G replaced by T.
Protein change: p.Val1582Leu; replaces valine 1582 with leucine.
Molecular consequence: missense variant.
Genome position (GRCh38, 1-based): chr14:102,002,826, G>T. VCF-style: chr14-102002826-G-T. GRCh37 (hg19) VCF-style: chr14-102469163-G-T.
Other names: short protein forms V1582L.
Identifiers: ClinVar variation 3636145 (VCV003636145.2).